The following is an entry in ClinVar:

ClinVar aggregate classification (germline): Uncertain significance. Review status: criteria provided, multiple submitters, no conflicts (2 of 4 stars). 2 submissions from 2 submitters: Uncertain significance (2). Last evaluated 2023-12-07.

Conditions:
Malignant hyperthermia, susceptibility to, 5 (MHS5). Also called: CACNA1S-Related Malignant Hyperthermia Susceptibility. Identifiers: Orphanet 423, MedGen C1866077, MONDO:0011163, OMIM 601887.
Hypokalemic periodic paralysis, type 1. Also called: HypoPP; Hypokalemic Periodic Paralysis Type 1 (AD). Identifiers: Orphanet 681, MedGen C3714580, MONDO:0042979, OMIM 170400.

Allele frequency attached by ClinVar (database versions not stated): gnomAD exomes below 0.00001; ExAC 0.00001.
gnomAD v4.1: 2 of 1,614,168 alleles (0.00012%); highest among the groups gnomAD compares: South Asian, 0.0011%; no homozygotes.

Submissions (2):

Labcorp Genetics (formerly Invitae), Labcorp
Classification: Uncertain significance for Hypokalemic periodic paralysis, type 1; Malignant hyperthermia, susceptibility to, 5. Last evaluated: 2023-12-07. Review status: criteria provided, single submitter. Criteria: Invitae Variant Classification Sherloc (09022015). Collection method: clinical testing. Allele origin: germline.
Comment: This sequence change replaces glycine, which is neutral and non-polar, with serine, which is neutral and polar, at codon 861 of the CACNA1S protein (p.Gly861Ser). This variant is present in population databases (rs754480390, gnomAD 0.003%). This variant has not been reported in the literature in individuals affected with CACNA1S-related conditions. Advanced modeling of protein sequence and biophysical properties (such as structural, functional, and spatial information, amino acid conservation, physicochemical variation, residue mobility, and thermodynamic stability) performed at Invitae indicates that this missense variant is expected to disrupt CACNA1S protein function with a positive predictive value of 80%. In summary, the available evidence is currently insufficient to determine the role of this variant in disease. Therefore, it has been classified as a Variant of Uncertain Significance.

CeGaT Center for Human Genetics Tuebingen
Classification: Uncertain significance. Last evaluated: 2023-09-01. Review status: criteria provided, single submitter. Criteria: CeGaT Center For Human Genetics Tuebingen Variant Classification Criteria Version 2. Collection method: clinical testing. Allele origin: germline. Affected: yes. Observed: 1 variant allele.
Comment: CACNA1S: PM2, PP3

NM_000069.3(CACNA1S):c.2581G>A (p.Gly861Ser)

Gene: CACNA1S (calcium voltage-gated channel subunit alpha1 S; minus strand). Cytogenetic location: 1q32.1.
Variant type: single nucleotide variant.
Coding change: c.2581G>A on transcript NM_000069.3 (MANE Select); coding-DNA position 2581, G replaced by A.
Protein change: p.Gly861Ser; replaces glycine 861 with serine.
Molecular consequence: missense variant.
Genome position (GRCh38, 1-based): chr1:201,066,963, C>T on the plus strand (G>A on the coding strand, the complement: CACNA1S is on the minus strand). VCF-style: chr1-201066963-C-T. GRCh37 (hg19) VCF-style: chr1-201036091-C-T.
Other names: short protein forms G861S.
Identifiers: ClinVar variation 2639744 (VCV002639744.27), dbSNP rs754480390, ClinGen allele CA079087.